The following is an entry in ClinVar:

ClinVar aggregate classification (germline): Likely benign (0 of 4 stars; one submission).

Conditions:
PLXNA3-related disorder. Also called: PLXNA3-related condition.

Allele frequency attached by ClinVar (database versions not stated): gnomAD exomes 0.00003; ExAC 0.00008; ESP Exome Variant Server 0.00019; gnomAD 0.00025; TOPMed 0.00040.

Submission:

PreventionGenetics, part of Exact Sciences
Classification: Likely benign for PLXNA3-related condition. Last evaluated: 2023-02-06. Review status: no assertion criteria provided. Collection method: clinical testing. Allele origin: germline.
Comment: This variant is classified as likely benign based on ACMG/AMP sequence variant interpretation guidelines (Richards et al. 2015 PMID: 25741868, with internal and published modifications).

NM_017514.5(PLXNA3):c.5028G>A (p.Val1676=)

Gene: PLXNA3 (plexin A3; plus strand). Cytogenetic location: Xq28.
Variant type: single nucleotide variant.
Coding change: c.5028G>A on transcript NM_017514.5 (MANE Select); coding-DNA position 5028, G replaced by A.
Protein change: p.Val1676=; no amino-acid change (valine 1676 retained).
Molecular consequence: synonymous variant.
Genome position (GRCh38, 1-based): chrX:154,470,483, G>A. VCF-style: chrX-154470483-G-A. GRCh37 (hg19) VCF-style: chrX-153698826-G-A.
Identifiers: ClinVar variation 3036883 (VCV003036883.2), dbSNP rs376389948, ClinGen allele CA10565035.